The following is an entry in ClinVar:

ClinVar aggregate classification (germline): Uncertain significance (1 of 4 stars; one submission).

Conditions:
Retinitis pigmentosa 12 (RP12). Also called: RP WITH OR WITHOUT PRESERVED PARAARTERIOLE RETINAL PIGMENT EPITHELIUM; RETINITIS PIGMENTOSA WITH OR WITHOUT PARAARTERIOLAR PRESERVATION OF RETINAL PIGMENT EPITHELIUM; RP WITH OR WITHOUT PPRPE. Identifiers: Orphanet 791, MedGen C1838647, MONDO:0010818, OMIM 600105.
Leber congenital amaurosis 8 (LCA8). Identifiers: Orphanet 65, MedGen C3151202, MONDO:0013453, OMIM 613835.

Allele frequency attached by ClinVar (database versions not stated): gnomAD exomes below 0.00001.
gnomAD v4.1: 1 of 1,614,182 alleles (0.000062%); highest among the groups gnomAD compares: Admixed American, 0.0017%; no homozygotes.

Submission:

Labcorp Genetics (formerly Invitae), Labcorp
Classification: Uncertain significance for Leber congenital amaurosis 8; Retinitis pigmentosa 12. Last evaluated: 2022-05-10. Review status: criteria provided, single submitter. Criteria: Invitae Variant Classification Sherloc (09022015). Collection method: clinical testing. Allele origin: germline.
Comment: This sequence change replaces serine, which is neutral and polar, with proline, which is neutral and non-polar, at codon 635 of the CRB1 protein (p.Ser635Pro). This variant is not present in population databases (gnomAD no frequency). This missense change has been observed in individual(s) with Leber congenital amaurosis (PMID: 21602930). Advanced modeling of protein sequence and biophysical properties (such as structural, functional, and spatial information, amino acid conservation, physicochemical variation, residue mobility, and thermodynamic stability) performed at Invitae indicates that this missense variant is not expected to disrupt CRB1 protein function. In summary, the available evidence is currently insufficient to determine the role of this variant in disease. Therefore, it has been classified as a Variant of Uncertain Significance.

Literature cited by the submitters: PubMed 21602930.

NM_201253.3(CRB1):c.1903T>C (p.Ser635Pro)

Gene: CRB1 (crumbs cell polarity complex component 1; plus strand). Cytogenetic location: 1q31.3.
Variant type: single nucleotide variant.
Coding change: c.1903T>C on transcript NM_201253.3 (MANE Select); coding-DNA position 1903, T replaced by C.
Protein change: p.Ser635Pro; replaces serine 635 with proline.
Molecular consequence: missense variant. On other transcripts: non-coding transcript variant (1).
Genome position (GRCh38, 1-based): chr1:197,421,731, T>C. VCF-style: chr1-197421731-T-C. GRCh37 (hg19) VCF-style: chr1-197390861-T-C.
Other names: c.1567T>C, p.Ser523Pro (NM_001193640.2); c.1696T>C, p.Ser566Pro (NM_001257965.2); c.1903T>C, p.Ser635Pro (NM_001257966.2); short protein forms S566P, S523P, S635P.
Identifiers: ClinVar variation 2140689 (VCV002140689.1), dbSNP rs2528112803, ClinGen allele CA344032871.